The following is an entry in ClinVar:

NM_007294.4(BRCA1):c.694G>T (p.Asp232Tyr)

Gene: BRCA1 (BRCA1 DNA repair associated; minus strand). Cytogenetic location: 17q21.31.
Variant type: single nucleotide variant.
Coding change: c.694G>T on transcript NM_007294.4 (MANE Select); coding-DNA position 694, G replaced by T.
Protein change: p.Asp232Tyr; replaces aspartic acid 232 with tyrosine.
Molecular consequence: missense variant. On other transcripts: non-coding transcript variant (1).
Genome position (GRCh38, 1-based): chr17:43,094,837, C>A on the plus strand (G>T on the coding strand, the complement: BRCA1 is on the minus strand). VCF-style: chr17-43094837-C-A. GRCh37 (hg19) VCF-style: chr17-41246854-C-A.
Other names: c.691G>T, p.Asp231Tyr (NM_001407984.1, NM_001407985.1, NM_001407610.1 and 38 more transcripts); c.694G>T, p.Asp232Tyr (NM_001407982.1, NM_001407983.1, NM_001407980.1 and 54 more transcripts); c.568G>T, p.Asp190Tyr (NM_001407687.1, NM_001407688.1, NM_001407689.1 and 20 more transcripts); c.553G>T, p.Asp185Tyr (NM_001407692.1, NM_001407694.1, NM_001407695.1 and 43 more transcripts); c.685G>T, p.Asp229Tyr (NM_001407646.1, NM_001407647.1, NM_001408408.1); c.571G>T, p.Asp191Tyr (NM_001407648.1, NM_001407664.1, NM_001407665.1 and 34 more transcripts); c.616G>T, p.Asp206Tyr (NM_001407653.1, NM_001407654.1, NM_001407655.1 and 9 more transcripts); c.613G>T, p.Asp205Tyr (NM_001407659.1, NM_001407660.1, NM_001407661.1 and 3 more transcripts); and 14 more; short protein forms D232Y, D185Y, D104Y, D120Y, D164Y, D187Y, D191Y, D143Y.
Identifiers: ClinVar variation 489735 (VCV000489735.15), dbSNP rs55975699, ClinGen allele CA10600699.
Genomic context (GRCh38, chr17:43,094,837, plus strand): 5'-GCTTCTCAGTGGTGTTCAAATCATTATTACTGGGTTGATGATGTTCAGTATTTGTTACAT[C>A]CGTCTCAGAAAATTCACAAGCAGCTGAAAATATACAAAAATAACAAGGTACTCAAAAACT-3'
Protein context (NP_009225.1, residues 222-242): KKAACEFSET[Asp232Tyr]VTNTEHHQPS

ClinVar aggregate classification (germline): Conflicting classifications of pathogenicity. Review status: criteria provided, conflicting classifications (1 of 4 stars). 3 submissions from 3 submitters: Uncertain significance (2); Likely benign (1). Last evaluated 2023-03-23.

Conditions:
Hereditary breast ovarian cancer syndrome. Also called: Breast and ovarian cancer; Hereditary breast and/or ovarian cancer syndrome; Hereditary breast and ovarian cancer; Hereditary breast and ovarian cancer syndrome (HBOC); BRCA1- and BRCA2-Associated Hereditary Breast and Ovarian Cancer; Hereditary breast and ovarian cancer syndrome. Identifiers: Orphanet 145, MedGen C0677776, MeSH D061325, MONDO:0003582. Disease mechanism: loss of function.
Hereditary cancer-predisposing syndrome. Also called: Hereditary Cancer Syndrome; Neoplastic Syndromes, Hereditary; Tumor predisposition; Hereditary neoplastic syndrome. Identifiers: Orphanet 140162, MedGen C0027672, MeSH D009386, MONDO:0015356.

Submissions (3):

University of Washington Department of Laboratory Medicine, University of Washington
Classification: Likely benign for Hereditary cancer-predisposing syndrome. Last evaluated: 2023-03-23. Review status: criteria provided, single submitter. Criteria: Dines et al. (Genet Med. 2020). Collection method: curation. Allele origin: germline.
Comment: Missense variant in a coldspot region where missense variants are very unlikely to be pathogenic (PMID:31911673).

BRCA1 coldspot (exon 11 using historical exon numbering). Reclassification based on statistical prior probability

Labcorp Genetics (formerly Invitae), Labcorp
Classification: Uncertain significance for Hereditary breast ovarian cancer syndrome. Last evaluated: 2021-02-23. Review status: criteria provided, single submitter. Criteria: Invitae Variant Classification Sherloc (09022015). Collection method: clinical testing. Allele origin: germline.
Comment: Algorithms developed to predict the effect of sequence changes on RNA splicing suggest that this variant may create or strengthen a splice site, but this prediction has not been confirmed by published transcriptional studies. Advanced modeling of protein sequence and biophysical properties (such as structural, functional, and spatial information, amino acid conservation, physicochemical variation, residue mobility, and thermodynamic stability) performed at Invitae indicates that this missense variant is not expected to disrupt BRCA1 protein function. This variant has not been reported in the literature in individuals with BRCA1-related conditions. ClinVar contains an entry for this variant (Variation ID: 489735). This variant is not present in population databases (ExAC no frequency). This sequence change replaces aspartic acid with tyrosine at codon 232 of the BRCA1 protein (p.Asp232Tyr). The aspartic acid residue is moderately conserved and there is a large physicochemical difference between aspartic acid and tyrosine. In summary, the available evidence is currently insufficient to determine the role of this variant in disease. Therefore, it has been classified as a Variant of Uncertain Significance.

Color Diagnostics, LLC DBA Color Health
Classification: Uncertain significance for Hereditary cancer-predisposing syndrome. Last evaluated: 2019-05-30. Review status: criteria provided, single submitter. Criteria: ACMG Guidelines, 2015. Collection method: clinical testing. Allele origin: germline.